The following is an entry in ClinVar:

NM_080680.3(COL11A2):c.1098G>A (p.Ala366=)

Gene: COL11A2 (collagen type XI alpha 2 chain; minus strand). Cytogenetic location: 6p21.32.
Variant type: single nucleotide variant.
Coding change: c.1098G>A on transcript NM_080680.3 (MANE Select); coding-DNA position 1098, G replaced by A.
Protein change: p.Ala366=; no amino-acid change (alanine 366 retained).
Molecular consequence: synonymous variant. On other transcripts: intron variant (2).
Genome position (GRCh38, 1-based): chr6:33,184,166, C>T on the plus strand (G>A on the coding strand, the complement: COL11A2 is on the minus strand). VCF-style: chr6-33184166-C-T. GRCh37 (hg19) VCF-style: chr6-33151943-C-T.
Other names: p.Ala366=; c.798+2461G>A (NM_080679.3); c.861+826G>A (NM_080681.3).
Identifiers: ClinVar variation 226530 (VCV000226530.24), dbSNP rs73741539, ClinGen allele CA3751479.

ClinVar aggregate classification (germline): Benign/Likely benign. Review status: criteria provided, multiple submitters, no conflicts (2 of 4 stars). 10 submissions from 9 submitters: Benign (8); Likely benign (2). Last evaluated 2026-05-13.

Conditions:
Otospondylomegaepiphyseal dysplasia, autosomal recessive (OSMEDB). Also called: Insley-Astley syndrome; CHONDRODYSTROPHY WITH SENSORINEURAL DEAFNESS. Identifiers: Orphanet 1427, MedGen CN034493, MONDO:0044206, OMIM 215150.
Fibrochondrogenesis 2 (FBCG2). Identifiers: Orphanet 2021, MedGen C3281128, MONDO:0013795, OMIM 614524.

Allele frequency attached by ClinVar (database versions not stated): 1000 Genomes Project 0.00439; 1000 Genomes Project 30x 0.00453; gnomAD 0.00618 and 0.00672; ESP Exome Variant Server 0.00623; TOPMed 0.00654.
gnomAD v4.1: 3,336 of 1,367,306 alleles (0.24%); highest among the groups gnomAD compares: African/African-American, 1.9%; 16 homozygotes.

Submissions (11):

Women's Health and Genetics/Laboratory Corporation of America, LabCorp
Classification: Benign. Last evaluated: 2026-05-13. Review status: criteria provided, single submitter. Criteria: LabCorp Variant Classification Summary - May 2015. Collection method: clinical testing. Allele origin: germline.

Labcorp Genetics (formerly Invitae), Labcorp
Classification: Benign. Last evaluated: 2026-02-04. Review status: criteria provided, single submitter. Criteria: Invitae Variant Classification Sherloc (09022015). Collection method: clinical testing. Allele origin: germline.

Mayo Clinic Laboratories, Mayo Clinic
Classification: Benign. Last evaluated: 2025-02-12. Review status: criteria provided, single submitter. Criteria: ACMG Guidelines, 2015. Collection method: clinical testing. Allele origin: germline. Observed: 1 variant allele.
Comment: BA1, BS2, BP4, BP7

Blueprint Genetics
Classification: Likely benign. Last evaluated: 2024-11-20. Review status: criteria provided, single submitter. Criteria: ACMG Guidelines, 2015. Collection method: clinical testing. Allele origin: germline.

ARUP Laboratories, Molecular Genetics and Genomics, ARUP Laboratories
Classification: Benign. Last evaluated: 2024-10-23. Review status: criteria provided, single submitter. Criteria: ARUP Molecular Germline Variant Investigation Process 2024. Collection method: clinical testing. Allele origin: germline.

GeneDx
Classification: Benign. Last evaluated: 2018-01-29. Review status: criteria provided, single submitter. Criteria: GeneDx Variant Classification (06012015). Collection method: clinical testing. Allele origin: germline. Affected: yes.
Comment: This variant is considered likely benign or benign based on one or more of the following criteria: it is a conservative change, it occurs at a poorly conserved position in the protein, it is predicted to be benign by multiple in silico algorithms, and/or has population frequency not consistent with disease.

Illumina Laboratory Services, Illumina
Classification: Benign for Fibrochondrogenesis 2. Last evaluated: 2018-01-13. Review status: criteria provided, single submitter. Criteria: ICSL Variant Classification Criteria 13 December 2019. Collection method: clinical testing. Allele origin: germline.
Comment: This variant was observed in the ICSL laboratory as part of a predisposition screen in an ostensibly healthy population. It had not been previously curated by ICSL or reported in the Human Gene Mutation Database (HGMD: prior to June 1st, 2018), and was therefore a candidate for classification through an automated scoring system. Utilizing variant allele frequency, disease prevalence and penetrance estimates, and inheritance mode, an automated score was calculated to assess if this variant is too frequent to cause the disease. Based on the score and internal cut-off values, a variant classified as benign is not then subjected to further curation. The score for this variant resulted in a classification of benign for this disease.

Illumina Laboratory Services, Illumina
Classification: Benign for Otospondylomegaepiphyseal dysplasia, autosomal recessive. Last evaluated: 2018-01-13. Review status: criteria provided, single submitter. Criteria: ICSL Variant Classification Criteria 13 December 2019. Collection method: clinical testing. Allele origin: germline.
Comment: the same text as in the submission from Illumina Laboratory Services, Illumina above.

Laboratory for Molecular Medicine, Mass General Brigham Personalized Medicine
Classification: Benign. Last evaluated: 2012-04-30. Review status: criteria provided, single submitter. Criteria: LMM Criteria. Collection method: clinical testing. Allele origin: germline. Observed: 5 variant alleles.
Comment: Ala366Ala in Exon 08 of COL11A2: This variant is not expected to have clinical s ignificance because it does not alter an amino acid residue, is not located with in the splice consensus sequence, and has been identified in 1.4% (52/3738) of A frican American chromosomes from a broad population by the NHLBI Exome Sequencin g Project (dbSNP rs73741539).

Breakthrough Genomics
Classification: Likely benign. Review status: criteria provided, single submitter. Criteria: ACMG Guidelines, 2015. Collection method: not provided. Allele origin: germline. Inheritance: Autosomal recessive inheritance. Affected: yes.

Dr. Peter K. Rogan Lab, Western University
No classification provided (evidence only). Condition: Clear cell carcinoma of kidney. Review status: no classification provided. Collection method: in vitro. Allele origin: not applicable. Functional consequence: retained intron. Not counted in ClinVar's aggregate classification.